The following is an entry in ClinVar:

ClinVar aggregate classification (germline): Uncertain significance. Review status: criteria provided, multiple submitters, no conflicts (2 of 4 stars). 2 submissions from 2 submitters: Uncertain significance (2). Last evaluated 2024-07-10.

Conditions:
Hereditary cancer-predisposing syndrome. Also called: Neoplastic Syndromes, Hereditary; Hereditary neoplastic syndrome; Hereditary Cancer Syndrome; Tumor predisposition. Identifiers: Orphanet 140162, MedGen C0027672, MeSH D009386, MONDO:0015356.
Neurofibromatosis, type 2 (SWNV). Also called: BILATERAL ACOUSTIC NEUROFIBROMATOSIS; NF2-Related Schwannomatosis; SCHWANNOMATOSIS, VESTIBULAR. Identifiers: Orphanet 637, MedGen C0027832, MONDO:0007039, OMIM 101000. Disease mechanism: loss of function.

Submissions (2):

Ambry Genetics
Classification: Uncertain significance for Hereditary cancer-predisposing syndrome. Last evaluated: 2024-07-10. Review status: criteria provided, single submitter. Criteria: Ambry Variant Classification Scheme 2023. Collection method: clinical testing. Allele origin: germline.

Labcorp Genetics (formerly Invitae), Labcorp
Classification: Uncertain significance for Neurofibromatosis, type 2. Last evaluated: 2022-12-10. Review status: criteria provided, single submitter. Criteria: Invitae Variant Classification Sherloc (09022015). Collection method: clinical testing. Allele origin: germline.
Comment: In summary, the available evidence is currently insufficient to determine the role of this variant in disease. Therefore, it has been classified as a Variant of Uncertain Significance. Advanced modeling of protein sequence and biophysical properties (such as structural, functional, and spatial information, amino acid conservation, physicochemical variation, residue mobility, and thermodynamic stability) performed at Invitae indicates that this missense variant is not expected to disrupt NF2 protein function. This variant has not been reported in the literature in individuals affected with NF2-related conditions. This variant is not present in population databases (gnomAD no frequency). This sequence change replaces glutamic acid, which is acidic and polar, with glutamine, which is neutral and polar, at codon 537 of the NF2 protein (p.Glu537Gln).

NM_000268.4(NF2):c.1609G>C (p.Glu537Gln)

Gene: NF2 (NF2, moesin-ezrin-radixin like (MERLIN) tumor suppressor; plus strand). Cytogenetic location: 22q12.2.
Variant type: single nucleotide variant.
Coding change: c.1609G>C on transcript NM_000268.4 (MANE Select); coding-DNA position 1609, G replaced by C.
Protein change: p.Glu537Gln; replaces glutamic acid 537 with glutamine.
Molecular consequence: missense variant. On other transcripts: intron variant (3).
Genome position (GRCh38, 1-based): chr22:29,681,473, G>C. VCF-style: chr22-29681473-G-C. GRCh37 (hg19) VCF-style: chr22-30077462-G-C.
Other names: c.1495G>C, p.Glu499Gln (NM_001407053.1, NM_001407056.1); c.1486G>C, p.Glu496Gln (NM_001407054.1, NM_001407058.1, NM_181829.3); c.1483G>C, p.Glu495Gln (NM_001407055.1, NM_181828.3); c.1474G>C, p.Glu492Gln (NM_001407057.1, NM_001407059.1); c.1351G>C, p.Glu451Gln (NM_001407062.1); c.1360G>C, p.Glu454Gln (NM_001407063.1, NM_181830.3, NM_181831.3); c.1075G>C, p.Glu359Gln (NM_001407065.1); c.1609G>C, p.Glu537Gln (NM_001407066.1, NM_016418.5, NM_181825.3 and 1 more transcripts); and 4 more; short protein forms E454Q, E492Q, E359Q, E451Q, E460Q, E495Q, E496Q, E537Q.
Identifiers: ClinVar variation 2819979 (VCV002819979.5), dbSNP rs2518734272, ClinGen allele CA411150066.